The following is an entry in ClinVar:

ClinVar aggregate classification (germline): Uncertain significance. Review status: criteria provided, multiple submitters, no conflicts (2 of 4 stars). 2 submissions from 2 submitters: Uncertain significance (2). Last evaluated 2025-09-01.

Conditions:
Cardiovascular phenotype. Identifiers: MedGen CN230736.
Hypertrophic cardiomyopathy. Also called: HYPERTROPHIC MYOCARDIOPATHY. Identifiers: Orphanet 217569, MedGen C0007194, MeSH D002312, MONDO:0005045, HP:0001639.

Submissions (2):

Labcorp Genetics (formerly Invitae), Labcorp
Classification: Uncertain significance for Hypertrophic cardiomyopathy. Last evaluated: 2025-09-01. Review status: criteria provided, single submitter. Criteria: Invitae Variant Classification Sherloc (09022015). Collection method: clinical testing. Allele origin: germline.
Comment: This sequence change replaces glutamic acid, which is acidic and polar, with glutamine, which is neutral and polar, at codon 1223 of the MYH7 protein (p.Glu1223Gln). This variant is not present in population databases (gnomAD no frequency). This missense change has been observed in individual(s) with dilated cardiomyopathy (PMID: 21750094). ClinVar contains an entry for this variant (Variation ID: 1009064). Invitae Evidence Modeling of protein sequence and biophysical properties (such as structural, functional, and spatial information, amino acid conservation, physicochemical variation, residue mobility, and thermodynamic stability) indicates that this missense variant is expected to disrupt MYH7 protein function with a positive predictive value of 80%. In summary, the available evidence is currently insufficient to determine the role of this variant in disease. Therefore, it has been classified as a Variant of Uncertain Significance.

Ambry Genetics
Classification: Uncertain significance for Cardiovascular phenotype. Last evaluated: 2018-06-21. Review status: criteria provided, single submitter. Criteria: Ambry Variant Classification Scheme 2023. Collection method: clinical testing. Allele origin: germline.
Comment: The p.E1223Q variant (also known as c.3667G>C), located in coding exon 25 of the MYH7 gene, results from a G to C substitution at nucleotide position 3667. The glutamic acid at codon 1223 is replaced by glutamine, an amino acid with highly similar properties. Co-segregation data for this variant is currently unavailable. No significant co-occurrence data is currently available at our laboratory. This alteration has been reported in one case of HCM (Waldm&uuml;ller, 2011). Since supporting evidence is limited at this time, the clinical significance of this alteration remains unclear. (Waldm&uuml;ller S et al. Eur. J. Heart Fail., 2011 Nov;13:1185-92).

Literature cited by the submitters: PubMed 21750094 (cited by Labcorp Genetics (formerly Invitae), Labcorp and Ambry Genetics).

NM_000257.4(MYH7):c.3667G>C (p.Glu1223Gln)

Gene: MYH7 (myosin heavy chain 7; minus strand). Cytogenetic location: 14q11.2.
Variant type: single nucleotide variant.
Coding change: c.3667G>C on transcript NM_000257.4 (MANE Select); coding-DNA position 3667, G replaced by C.
Protein change: p.Glu1223Gln; replaces glutamic acid 1223 with glutamine.
Molecular consequence: missense variant.
Genome position (GRCh38, 1-based): chr14:23,419,904, C>G on the plus strand (G>C on the coding strand, the complement: MYH7 is on the minus strand). VCF-style: chr14-23419904-C-G. GRCh37 (hg19) VCF-style: chr14-23889113-C-G.
Other names: short protein forms E1223Q.
Identifiers: ClinVar variation 1009064 (VCV001009064.10), dbSNP rs794727410, ClinGen allele CA389043106.
Genomic context (GRCh38, chr14:23,419,904, plus strand): 5'-CCTTGGCCTTGATGATCTGCTCCATGTTGGAGGTGACGTCATCCAGCTCCAGCTTGAACT[C>G]GCTCTTCTCCTTCTCCAGCTTCTGCTTCACCCGCTGCAGGTTGTCGATCTGCTCGCCCAG-3'
Protein context (NP_000248.2, residues 1213-1233): VKQKLEKEKS[Glu1223Gln]FKLELDDVTS